The following is an entry in ClinVar:

NM_030662.4(MAP2K2):c.580+6G>A

Gene: MAP2K2 (mitogen-activated protein kinase kinase 2; minus strand). Cytogenetic location: 19p13.3.
Variant type: single nucleotide variant.
Coding change: c.580+6G>A on transcript NM_030662.4 (MANE Select); 6 bases into the intron after coding-DNA position 580, G replaced by A.
Molecular consequence: intron variant.
Genome position (GRCh38, 1-based): chr19:4,101,223, C>T on the plus strand (G>A on the coding strand, the complement: MAP2K2 is on the minus strand). VCF-style: chr19-4101223-C-T. GRCh37 (hg19) VCF-style: chr19-4101221-C-T.
Other names: p.?.
Identifiers: ClinVar variation 40808 (VCV000040808.62), dbSNP rs201435249, ClinGen allele CA137955.

ClinVar aggregate classification (germline): Benign. Review status: reviewed by expert panel (3 of 4 stars). 16 submissions from 16 submitters: Benign (1). 15 of the submissions do not count toward it. Last evaluated 2017-05-09.

Conditions:
Noonan syndrome and Noonan-related syndrome. Identifiers: Orphanet 98733, MedGen C5681679, MONDO:0020297.
MAP2K2-related disorder. Also called: MAP2K2-related condition.
Cardiofaciocutaneous syndrome 4 (CFC4). Also called: MAP2K2-Related Cardiofaciocutaneous Syndrome. Identifiers: Orphanet 1340, MedGen C3809007, MONDO:0014114, OMIM 615280.
RASopathy. Also called: rasopathies; Noonan spectrum disorder. Identifiers: Orphanet 536391, MedGen C5555857, MONDO:0021060.

Allele frequency attached by ClinVar (database versions not stated): gnomAD 0.00183 and 0.00175; 1000 Genomes Project 30x 0.00047; ESP Exome Variant Server 0.00254; gnomAD exomes 0.00285 and 0.00138; 1000 Genomes Project 0.00020; ExAC 0.00220; TOPMed 0.00183.
gnomAD v4.1: 4,321 of 1,590,482 alleles (0.27%); highest among the groups gnomAD compares: Non-Finnish European, 0.34%; 5 homozygotes.

Submissions (16):

ClinGen RASopathy Variant Curation Expert Panel
Classification: Benign for Noonan syndrome and Noonan-related syndrome. Last evaluated: 2017-05-09. Review status: reviewed by expert panel. Criteria: ClinGen RASopathy ACMG Specifications v1. Collection method: curation. Allele origin: germline. Inheritance: Autosomal dominant inheritance.
Comment: The filtering allele frequency of the c.580+6G>A variant in the MAP2K2 gene is 0.311% (91/24374) of European chromosomes by the Exome Aggregation Consortium, which is a high enough frequency to be classified as benign based on thresholds defined by the ClinGen RASopathy Expert Panel (BA1; PMID:29493581)

CeGaT Center for Human Genetics Tuebingen
Classification: Likely benign. Last evaluated: 2026-09-01. Review status: criteria provided, single submitter. Criteria: CeGaT Center For Human Genetics Tuebingen Variant Classification Criteria Version 2. Collection method: clinical testing. Allele origin: germline. Affected: yes. Observed: 9 variant alleles. Not counted in ClinVar's aggregate classification.
Comment: MAP2K2: BP4, BS1

Labcorp Genetics (formerly Invitae), Labcorp
Classification: Benign for RASopathy. Last evaluated: 2026-02-03. Review status: criteria provided, single submitter. Criteria: Invitae Variant Classification Sherloc (09022015). Collection method: clinical testing. Allele origin: germline. Not counted in ClinVar's aggregate classification.

Blueprint Genetics
Classification: Likely benign. Last evaluated: 2024-11-23. Review status: criteria provided, single submitter. Criteria: ACMG Guidelines, 2015. Collection method: clinical testing. Allele origin: germline. Not counted in ClinVar's aggregate classification.

Mayo Clinic Laboratories, Mayo Clinic
Classification: Benign. Last evaluated: 2024-01-11. Review status: criteria provided, single submitter. Criteria: ACMG Guidelines, 2015. Collection method: clinical testing. Allele origin: germline. Observed: 7 variant alleles. Not counted in ClinVar's aggregate classification.
Comment: BA1, BP4, BP7

ARUP Laboratories, Molecular Genetics and Genomics, ARUP Laboratories
Classification: Likely benign for Cardiofaciocutaneous syndrome 4. Last evaluated: 2023-10-23. Review status: criteria provided, single submitter. Criteria: ARUP Molecular Germline Variant Investigation Process 2024. Collection method: clinical testing. Allele origin: germline. Not counted in ClinVar's aggregate classification.

Genome Diagnostics Laboratory, The Hospital for Sick Children
Classification: Benign for Noonan syndrome and Noonan-related syndrome. Last evaluated: 2020-12-01. Review status: criteria provided, single submitter. Criteria: ACMG Guidelines, 2015. Collection method: clinical testing. Allele origin: germline. Not counted in ClinVar's aggregate classification.

Center for Pediatric Genomic Medicine, Children's Mercy Hospital and Clinics
Classification: Likely benign. Last evaluated: 2016-11-07. Review status: criteria provided, single submitter. Criteria: ACMG Guidelines, 2015. Collection method: clinical testing. Allele origin: germline. Not counted in ClinVar's aggregate classification.
ClinVar note: Converted during submission from Likely Benign to Likely benign.

Clinical Genetics DNA and cytogenetics Diagnostics Lab, Erasmus MC, Erasmus Medical Center
Classification: Likely benign for Cardiofaciocutaneous syndrome 4. Last evaluated: 2015-06-11. Review status: criteria provided, single submitter. Criteria: ACGS Guidelines, 2013. Collection method: clinical testing. Allele origin: germline. Affected: yes. Study: VKGL Data-share Consensus. Not counted in ClinVar's aggregate classification.

GeneDx
Classification: Benign. Last evaluated: 2015-03-03. Review status: criteria provided, single submitter. Criteria: GeneDx Variant Classification Process June 2021. Collection method: clinical testing. Allele origin: germline. Affected: yes. Not counted in ClinVar's aggregate classification.

Eurofins Ntd Llc (ga)
Classification: Likely benign. Last evaluated: 2015-01-09. Review status: criteria provided, single submitter. Criteria: EGL Classification Definitions 2015. Collection method: clinical testing. Allele origin: germline. Observed: 1 variant allele, 1 heterozygote. Not counted in ClinVar's aggregate classification.

Laboratory for Molecular Medicine, Mass General Brigham Personalized Medicine
Classification: Benign. Last evaluated: 2013-02-20. Review status: criteria provided, single submitter. Criteria: LMM Criteria. Collection method: clinical testing. Allele origin: germline. Observed: 11 variant alleles. Not counted in ClinVar's aggregate classification.
Comment: 580+6G>A in intron 5 of MEK2: This variant is not expected to have clinical sign ificance because it has been identified in 0.3% (28/8592) of European American c hromosomes from a broad population by the NHLBI Exome Sequencing Project (dbSNP rs201435249)

PreventionGenetics, part of Exact Sciences
Classification: Benign for MAP2K2-related condition. Last evaluated: 2019-11-25. Review status: no assertion criteria provided. Collection method: clinical testing. Allele origin: germline. Not counted in ClinVar's aggregate classification.
Comment: This variant is classified as benign based on ACMG/AMP sequence variant interpretation guidelines (Richards et al. 2015 PMID: 25741868, with internal and published modifications).

Clinical Genetics, Academic Medical Center
Classification: Likely benign. Review status: no assertion criteria provided. Collection method: clinical testing. Allele origin: germline. Affected: yes. Study: VKGL Data-share Consensus. Not counted in ClinVar's aggregate classification.

Joint Genome Diagnostic Labs from Nijmegen and Maastricht, Radboudumc and MUMC+
Classification: Likely benign. Review status: no assertion criteria provided. Collection method: clinical testing. Allele origin: germline. Affected: yes. Study: VKGL Data-share Consensus. Not counted in ClinVar's aggregate classification.

Laboratory of Diagnostic Genome Analysis, Leiden University Medical Center (LUMC)
Classification: Likely benign. Review status: no assertion criteria provided. Collection method: clinical testing. Allele origin: germline. Affected: yes. Study: VKGL Data-share Consensus. Not counted in ClinVar's aggregate classification.